The following is an entry in ClinVar:

NM_001365276.2(TNXB):c.2761T>G (p.Ser921Ala)

Gene: TNXB (tenascin XB; minus strand). Cytogenetic location: 6p21.33.
Variant type: single nucleotide variant.
Coding change: c.2761T>G on transcript NM_001365276.2 (MANE Select); coding-DNA position 2761, T replaced by G.
Protein change: p.Ser921Ala; replaces serine 921 with alanine.
Molecular consequence: missense variant.
Genome position (GRCh38, 1-based): chr6:32,088,803, A>C on the plus strand (T>G on the coding strand, the complement: TNXB is on the minus strand). VCF-style: chr6-32088803-A-C. GRCh37 (hg19) VCF-style: chr6-32056580-A-C.
Other names: c.2761T>G, p.Ser921Ala (NM_019105.8); short protein forms S921A.
Identifiers: ClinVar variation 261131 (VCV000261131.15), dbSNP rs204900, ClinGen allele CA3735413.

ClinVar aggregate classification (germline): Benign/Likely benign. Review status: criteria provided, multiple submitters, no conflicts (2 of 4 stars). 8 submissions from 8 submitters: Benign (7); Likely benign (1). Last evaluated 2026-02-04.

Conditions:
Cardiovascular phenotype. Identifiers: MedGen CN230736.
Ehlers-Danlos syndrome (EDS). Identifiers: Orphanet 98249, MedGen C0013720, MONDO:0020066.

Allele frequency attached by ClinVar (database versions not stated): 1000 Genomes Project 0.18530; ExAC 0.24173; gnomAD exomes 0.10982 and 0.13587; TOPMed 0.15919; ESP Exome Variant Server 0.13676; gnomAD 0.15262 and 0.14952; 1000 Genomes Project 30x 0.18926.
gnomAD v4.1: 180,337 of 1,575,098 alleles (11%); highest among the groups gnomAD compares: South Asian, 34%; 14,625 homozygotes.

Submissions (8):

Labcorp Genetics (formerly Invitae), Labcorp
Classification: Benign. Last evaluated: 2026-02-04. Review status: criteria provided, single submitter. Criteria: Invitae Variant Classification Sherloc (09022015). Collection method: clinical testing. Allele origin: germline.

Women's Health and Genetics/Laboratory Corporation of America, LabCorp
Classification: Likely benign. Last evaluated: 2026-01-21. Review status: criteria provided, single submitter. Criteria: LabCorp Variant Classification Summary - May 2015. Collection method: clinical testing. Allele origin: germline.

Mayo Clinic Laboratories, Mayo Clinic
Classification: Benign. Last evaluated: 2023-01-12. Review status: criteria provided, single submitter. Criteria: ACMG Guidelines, 2015. Collection method: clinical testing. Allele origin: germline. Observed: 609 variant alleles.
Comment: BA1

Genome Diagnostics Laboratory, The Hospital for Sick Children
Classification: Benign for Ehlers-Danlos syndrome. Last evaluated: 2022-07-14. Review status: criteria provided, single submitter. Criteria: ACMG Guidelines, 2015. Collection method: clinical testing. Allele origin: germline.

Ambry Genetics
Classification: Benign for Cardiovascular phenotype. Last evaluated: 2018-12-31. Review status: criteria provided, single submitter. Criteria: Ambry Variant Classification Scheme 2023. Collection method: clinical testing. Allele origin: germline.

GeneDx
Classification: Benign. Last evaluated: 2018-09-17. Review status: criteria provided, single submitter. Criteria: GeneDx Variant Classification Process June 2021. Collection method: clinical testing. Allele origin: germline. Affected: yes.
Comment: This variant is associated with the following publications: (PMID: 16574953, 29379198)

Laboratory for Molecular Medicine, Mass General Brigham Personalized Medicine
Classification: Benign. Last evaluated: 2016-04-25. Review status: criteria provided, single submitter. Criteria: LMM Criteria. Collection method: clinical testing. Allele origin: germline.
Comment: Variant identified in a genome or exome case(s) and assessed due to predicted null impact of the variant or pathogenic assertions in the literature or databases. Disclaimer: This variant has not undergone full assessment. The following are preliminary notes: Frequency

PreventionGenetics, part of Exact Sciences
Classification: Benign. Review status: criteria provided, single submitter. Criteria: ACMG Guidelines, 2015. Collection method: clinical testing. Allele origin: germline.